The following is an entry in ClinVar:

ClinVar aggregate classification (germline): Uncertain significance (1 of 4 stars; one submission).

Submission:

Labcorp Genetics (formerly Invitae), Labcorp
Classification: Uncertain significance. Last evaluated: 2024-03-12. Review status: criteria provided, single submitter. Criteria: Invitae Variant Classification Sherloc (09022015). Collection method: clinical testing. Allele origin: germline.
Comment: This sequence change falls in intron 4 of the GNAS gene. It does not directly change the encoded amino acid sequence of the GNAS protein. This variant is not present in population databases (gnomAD no frequency). This variant has not been reported in the literature in individuals affected with GNAS-related conditions. Algorithms developed to predict the effect of sequence changes on RNA splicing suggest that this variant may disrupt the consensus splice site. In summary, the available evidence is currently insufficient to determine the role of this variant in disease. Therefore, it has been classified as a Variant of Uncertain Significance.

NM_000516.7(GNAS):c.313-5T>C

Gene: GNAS (GNAS complex locus; plus strand). Cytogenetic location: 20q13.32.
Variant type: single nucleotide variant.
Coding change: c.313-5T>C on transcript NM_000516.7 (MANE Select); 5 bases into the intron before coding-DNA position 313, T replaced by C.
Molecular consequence: intron variant.
Genome position (GRCh38, 1-based): chr20:58,903,667, T>C. VCF-style: chr20-58903667-T-C. GRCh37 (hg19) VCF-style: chr20-57478722-T-C.
Other names: c.2242-5T>C (NM_080425.4); c.2197-5T>C (NM_001410913.1); c.136-5T>C (NM_001309840.2, NM_001309861.2); c.316-5T>C (NM_001077488.5); c.271-5T>C (NM_080426.4); c.268-5T>C (NM_001077489.4); c.*219-5T>C (NM_016592.5); c.217-5T>C (NM_001410912.1); and 1 more.
Identifiers: ClinVar variation 3685639 (VCV003685639.2).